The following is an entry in ClinVar:

NM_004656.4(BAP1):c.701T>C (p.Val234Ala)

Gene: BAP1 (BRCA1 associated deubiquitinase 1; minus strand). Cytogenetic location: 3p21.1.
Variant type: single nucleotide variant.
Coding change: c.701T>C on transcript NM_004656.4 (MANE Select); coding-DNA position 701, T replaced by C.
Protein change: p.Val234Ala; replaces valine 234 with alanine.
Molecular consequence: missense variant. On other transcripts: intron variant (1).
Genome position (GRCh38, 1-based): chr3:52,406,335, A>G on the plus strand (T>C on the coding strand, the complement: BAP1 is on the minus strand). VCF-style: chr3-52406335-A-G. GRCh37 (hg19) VCF-style: chr3-52440351-A-G.
Other names: c.660-13T>C (NM_001410772.1); short protein forms V234A.
Identifiers: ClinVar variation 2457666 (VCV002457666.5), dbSNP rs2471343888, ClinGen allele CA353107392.

ClinVar aggregate classification (germline): Uncertain significance. Review status: criteria provided, multiple submitters, no conflicts (2 of 4 stars). 2 submissions from 2 submitters: Uncertain significance (2). Last evaluated 2023-03-18.

Conditions:
Hereditary cancer-predisposing syndrome. Also called: Neoplastic Syndromes, Hereditary; Hereditary neoplastic syndrome; Tumor predisposition; Hereditary Cancer Syndrome. Identifiers: Orphanet 140162, MedGen C0027672, MeSH D009386, MONDO:0015356.
BAP1-related tumor predisposition syndrome (TPDS1). Also called: BAP1 tumor predisposition syndrome; TUMOR PREDISPOSITION SYNDROME 1; Tumor susceptibility linked to germline BAP1 mutations; COMMON Syndrome. Identifiers: Orphanet 289539, MedGen C3280492, MONDO:0013692, OMIM 614327.

Submissions (2):

Labcorp Genetics (formerly Invitae), Labcorp
Classification: Uncertain significance for BAP1-related tumor predisposition syndrome. Last evaluated: 2023-03-18. Review status: criteria provided, single submitter. Criteria: Invitae Variant Classification Sherloc (09022015). Collection method: clinical testing. Allele origin: germline.
Comment: This sequence change replaces valine, which is neutral and non-polar, with alanine, which is neutral and non-polar, at codon 234 of the BAP1 protein (p.Val234Ala). In summary, the available evidence is currently insufficient to determine the role of this variant in disease. Therefore, it has been classified as a Variant of Uncertain Significance. Advanced modeling of protein sequence and biophysical properties (such as structural, functional, and spatial information, amino acid conservation, physicochemical variation, residue mobility, and thermodynamic stability) performed at Invitae indicates that this missense variant is expected to disrupt BAP1 protein function. This variant has not been reported in the literature in individuals affected with BAP1-related conditions. This variant is not present in population databases (gnomAD no frequency).

Ambry Genetics
Classification: Uncertain significance for Hereditary cancer-predisposing syndrome. Last evaluated: 2022-11-15. Review status: criteria provided, single submitter. Criteria: Ambry Variant Classification Scheme 2023. Collection method: clinical testing. Allele origin: germline.
Comment: The p.V234A variant (also known as c.701T>C), located in coding exon 9 of the BAP1 gene, results from a T to C substitution at nucleotide position 701. The valine at codon 234 is replaced by alanine, an amino acid with similar properties. This amino acid position is conserved. In addition, this alteration is predicted to be deleterious by in silico analysis. Since supporting evidence is limited at this time, the clinical significance of this alteration remains unclear.